The following is an entry in ClinVar:

NM_000138.5(FBN1):c.5385G>C (p.Val1795=)

Gene: FBN1 (fibrillin 1; minus strand). Cytogenetic location: 15q21.1.
Variant type: single nucleotide variant.
Coding change: c.5385G>C on transcript NM_000138.5 (MANE Select); coding-DNA position 5385, G replaced by C.
Protein change: p.Val1795=; no amino-acid change (valine 1795 retained).
Molecular consequence: synonymous variant.
Genome position (GRCh38, 1-based): chr15:48,456,674, C>G on the plus strand (G>C on the coding strand, the complement: FBN1 is on the minus strand). VCF-style: chr15-48456674-C-G. GRCh37 (hg19) VCF-style: chr15-48748871-C-G.
Identifiers: ClinVar variation 511219 (VCV000511219.3), dbSNP rs1555396422, ClinGen allele CA490023953.
Genomic context (GRCh38, chr15:48,456,674, plus strand): 5'-GATAAAGTCATGATGCCACTTACCTTCACAAACCAACAACTTGTCATTATAGAAGAATCC[C>G]ACTGGACATTCACATCGGAAGCTGCCAACCATGTTGATACACACTCCATTTTCACAGACC-3'
Protein context (NP_000129.3, residues 1785-1805): MVGSFRCECP[Val1795=]GFFYNDKLLV

ClinVar aggregate classification (germline): Likely benign. Review status: criteria provided, multiple submitters, no conflicts (2 of 4 stars). 3 submissions from 3 submitters: Likely benign (3). Last evaluated 2024-08-15.

Conditions:
Familial thoracic aortic aneurysm and aortic dissection (TAAD). Also called: Thoracic aortic aneurysms and dissections. Identifiers: Orphanet 91387, MedGen C4707243, MONDO:0019625.

Allele frequency attached by ClinVar (database versions not stated): gnomAD exomes 0.00001.
gnomAD v4.1: 3 of 1,613,990 alleles (0.00019%); highest among the groups gnomAD compares: Middle Eastern, 0.017%; no homozygotes.

Submissions (3):

Ambry Genetics
Classification: Likely benign for Familial thoracic aortic aneurysm and aortic dissection. Last evaluated: 2024-08-15. Review status: criteria provided, single submitter. Criteria: Ambry Variant Classification Scheme 2023. Collection method: clinical testing. Allele origin: germline.

Color Diagnostics, LLC DBA Color Health
Classification: Likely benign for Familial thoracic aortic aneurysm and aortic dissection. Last evaluated: 2022-11-06. Review status: criteria provided, single submitter. Criteria: ACMG Guidelines, 2015. Collection method: clinical testing. Allele origin: germline.

GeneDx
Classification: Likely benign. Last evaluated: 2017-08-07. Review status: criteria provided, single submitter. Criteria: GeneDx Variant Classification (06012015). Collection method: clinical testing. Allele origin: germline. Affected: yes.
Comment: This variant is considered likely benign or benign based on one or more of the following criteria: it is a conservative change, it occurs at a poorly conserved position in the protein, it is predicted to be benign by multiple in silico algorithms, and/or has population frequency not consistent with disease.